The following is an entry in ClinVar:

NM_032444.4(SLX4):c.1254C>G (p.Ser418=)

Gene: SLX4 (SLX4 structure-specific endonuclease subunit; minus strand). Cytogenetic location: 16p13.3.
Variant type: single nucleotide variant.
Coding change: c.1254C>G on transcript NM_032444.4 (MANE Select); coding-DNA position 1254, C replaced by G.
Protein change: p.Ser418=; no amino-acid change (serine 418 retained).
Molecular consequence: synonymous variant.
Genome position (GRCh38, 1-based): chr16:3,597,909, G>C on the plus strand (C>G on the coding strand, the complement: SLX4 is on the minus strand). VCF-style: chr16-3597909-G-C. GRCh37 (hg19) VCF-style: chr16-3647910-G-C.
Identifiers: ClinVar variation 1989755 (VCV001989755.28), dbSNP rs768589697, ClinGen allele CA493392560.

ClinVar aggregate classification (germline): Likely benign. Review status: criteria provided, multiple submitters, no conflicts (2 of 4 stars). 2 submissions from 2 submitters: Likely benign (2). Last evaluated 2025-02-01.

Conditions:
Fanconi anemia (FA). Also called: Fanconi's anemia. Identifiers: Orphanet 84, MedGen C0015625, MeSH D005199, MONDO:0019391.

gnomAD v4.1: 3 of 1,614,104 alleles (0.00019%); highest among the groups gnomAD compares: Non-Finnish European, 0.00017%; no homozygotes.

Submissions (2):

CeGaT Center for Human Genetics Tuebingen
Classification: Likely benign. Last evaluated: 2025-02-01. Review status: criteria provided, single submitter. Criteria: CeGaT Center For Human Genetics Tuebingen Variant Classification Criteria Version 2. Collection method: clinical testing. Allele origin: germline. Affected: yes. Observed: 2 variant alleles.
Comment: SLX4: BP4, BP7

Labcorp Genetics (formerly Invitae), Labcorp
Classification: Likely benign for Fanconi anemia. Last evaluated: 2022-10-08. Review status: criteria provided, single submitter. Criteria: Invitae Variant Classification Sherloc (09022015). Collection method: clinical testing. Allele origin: germline.